The following is an entry in ClinVar:

ClinVar aggregate classification (germline): Uncertain significance (1 of 4 stars; one submission).

Conditions:
Familial encephalopathy with neuroserpin inclusion bodies. Also called: ENCEPHALOPATHY, FAMILIAL, WITH COLLINS BODIES. Identifiers: Orphanet 85110, MedGen C1858680, MONDO:0011412, OMIM 604218.

Submission:

Labcorp Genetics (formerly Invitae), Labcorp
Classification: Uncertain significance for Familial encephalopathy with neuroserpin inclusion bodies. Last evaluated: 2022-11-07. Review status: criteria provided, single submitter. Criteria: Invitae Variant Classification Sherloc (09022015). Collection method: clinical testing. Allele origin: germline.
Comment: This variant has not been reported in the literature in individuals affected with SERPINI1-related conditions. This sequence change replaces leucine, which is neutral and non-polar, with proline, which is neutral and non-polar, at codon 366 of the SERPINI1 protein (p.Leu366Pro). This variant is not present in population databases (gnomAD no frequency). Advanced modeling of protein sequence and biophysical properties (such as structural, functional, and spatial information, amino acid conservation, physicochemical variation, residue mobility, and thermodynamic stability) performed at Invitae indicates that this missense variant is not expected to disrupt SERPINI1 protein function. In summary, the available evidence is currently insufficient to determine the role of this variant in disease. Therefore, it has been classified as a Variant of Uncertain Significance.

NM_001122752.2(SERPINI1):c.1097T>C (p.Leu366Pro)

Gene: SERPINI1 (serpin family I member 1; plus strand). Cytogenetic location: 3q26.1.
Variant type: single nucleotide variant.
Coding change: c.1097T>C on transcript NM_001122752.2 (MANE Select); coding-DNA position 1097, T replaced by C.
Protein change: p.Leu366Pro; replaces leucine 366 with proline.
Molecular consequence: missense variant.
Genome position (GRCh38, 1-based): chr3:167,824,503, T>C. VCF-style: chr3-167824503-T-C. GRCh37 (hg19) VCF-style: chr3-167542291-T-C.
Other names: c.1097T>C, p.Leu366Pro (NM_005025.5); short protein forms L366P.
Identifiers: ClinVar variation 1719624 (VCV001719624.5), dbSNP rs2473329999, ClinGen allele CA355157853.